The following is an entry in ClinVar:

NM_007294.4(BRCA1):c.2283_2284del (p.Arg762fs)

Gene: BRCA1 (BRCA1 DNA repair associated; minus strand). Cytogenetic location: 17q21.31.
Variant type: Deletion.
Coding change: c.2283_2284del on transcript NM_007294.4 (MANE Select); coding-DNA positions 2283 to 2284, 2 bases deleted (AA; older notation c.2283_2284delAA).
Protein change: p.Arg762fs; shifts the reading frame from arginine 762.
Molecular consequence: frameshift variant. On other transcripts: intron variant (137).
Genome position (GRCh38, 1-based): chr17:43,093,247-43,093,248, TT deleted on the plus strand (AA on the coding strand, the reverse complement: BRCA1 is on the minus strand); deleting any 2 consecutive bases within chr17:43,093,247-43,093,249 gives the same sequence; the c. name uses the placement nearest the transcript's 3' end. VCF-style (leftmost placement, unchanged base first): chr17-43093246-CTT-C. GRCh37 (hg19) VCF-style: chr17-41245263-CTT-C.
Other names: 2402delAA; c.2283_2284delAA (NM_007294.3); c.2283_2284del, p.Arg762fs (NM_001407652.1, NM_001407684.1, NM_001407854.1 and 30 more transcripts); c.2205_2206del, p.Arg736fs (NM_001407653.1, NM_001407654.1, NM_001407655.1 and 4 more transcripts); c.2202_2203del, p.Arg735fs (NM_001407659.1, NM_001407660.1, NM_001407661.1 and 1 more transcripts); c.2160_2161del, p.Arg721fs (NM_001407664.1, NM_001407665.1, NM_001407666.1 and 19 more transcripts); c.2157_2158del, p.Arg720fs (NM_001407670.1, NM_001407671.1, NM_001407672.1 and 11 more transcripts); c.2142_2143del, p.Arg715fs (NM_001407692.1, NM_001407694.1, NM_001407695.1 and 29 more transcripts); and 43 more; short protein forms R762fs, R715fs, R650fs, R651fs, R691fs, R692fs, R720fs, R735fs.
Identifiers: ClinVar variation 54521 (VCV000054521.10), dbSNP rs80357657, ClinGen allele CA001523.

ClinVar aggregate classification (germline): Pathogenic. Review status: reviewed by expert panel (3 of 4 stars). 7 submissions from 7 submitters: Pathogenic (1). 6 of the submissions do not count toward it. Last evaluated 2016-09-08.

Conditions:
Hereditary cancer-predisposing syndrome. Also called: Tumor predisposition; Neoplastic Syndromes, Hereditary; Hereditary Cancer Syndrome; Hereditary neoplastic syndrome. Identifiers: Orphanet 140162, MedGen C0027672, MeSH D009386, MONDO:0015356.
Hereditary breast ovarian cancer syndrome. Also called: Hereditary breast and ovarian cancer syndrome (HBOC); Hereditary breast and ovarian cancer syndrome; Hereditary breast and ovarian cancer; Hereditary breast and/or ovarian cancer syndrome; Breast and ovarian cancer; BRCA1- and BRCA2-Associated Hereditary Breast and Ovarian Cancer. Identifiers: Orphanet 145, MedGen C0677776, MeSH D061325, MONDO:0003582. Disease mechanism: loss of function.
Breast-ovarian cancer, familial, susceptibility to, 1 (BROVCA1). Also called: OVARIAN CANCER, SUSCEPTIBILITY TO; BRCA1 Hereditary Breast and Ovarian Cancer. Identifiers: Orphanet 145, MedGen C2676676, MONDO:0011450, OMIM 604370. Disease mechanism: loss of function.

Submissions (7):

Evidence-based Network for the Interpretation of Germline Mutant Alleles (ENIGMA)
Classification: Pathogenic for Breast-ovarian cancer, familial, susceptibility to, 1. Last evaluated: 2016-09-08. Review status: reviewed by expert panel. Criteria: ENIGMA BRCA1/2 Classification Criteria (2015). Collection method: curation. Allele origin: germline.
Comment: Variant allele predicted to encode a truncated non-functional protein.

Ambry Genetics
Classification: Pathogenic for Hereditary cancer-predisposing syndrome. Last evaluated: 2024-08-14. Review status: criteria provided, single submitter. Criteria: Ambry Variant Classification Scheme 2023. Collection method: clinical testing. Allele origin: germline. Not counted in ClinVar's aggregate classification.
Comment: The c.2283_2284delAA pathogenic mutation, located in coding exon 9 of the BRCA1 gene, results from a deletion of two nucleotides at nucleotide positions 2283 to 2284, causing a translational frameshift with a predicted alternate stop codon (p.R762Ifs*5). This variant was reported, as BRCA1 2401 AA deletion, in a family with Hereditary Breast and Ovarian cancer (Johannsson O et al. Am J Hum Genet, 1996 Mar;58:441-50). This variant is considered to be rare based on population cohorts in the Genome Aggregation Database (gnomAD). In addition to the clinical data presented in the literature, this alteration is expected to result in loss of function by premature protein truncation or nonsense-mediated mRNA decay. As such, this alteration is interpreted as a disease-causing mutation.

Myriad Genetics, Inc.
Classification: Pathogenic for Breast-ovarian cancer, familial, susceptibility to, 1. Last evaluated: 2023-11-03. Review status: criteria provided, single submitter. Criteria: Myriad Autosomal Dominant, Autosomal Recessive and X-Linked Classification Criteria (2023). Collection method: clinical testing. Allele origin: unknown. Not counted in ClinVar's aggregate classification.
Comment: This variant is considered pathogenic. This variant creates a frameshift predicted to result in premature protein truncation.

Labcorp Genetics (formerly Invitae), Labcorp
Classification: Pathogenic for Hereditary breast ovarian cancer syndrome. Last evaluated: 2023-09-21. Review status: criteria provided, single submitter. Criteria: Invitae Variant Classification Sherloc (09022015). Collection method: clinical testing. Allele origin: germline. Not counted in ClinVar's aggregate classification.
Comment: This sequence change creates a premature translational stop signal (p.Arg762Ilefs*5) in the BRCA1 gene. It is expected to result in an absent or disrupted protein product. Loss-of-function variants in BRCA1 are known to be pathogenic (PMID: 20104584). This variant is not present in population databases (gnomAD no frequency). This premature translational stop signal has been observed in individual(s) with breast and/or ovarian cancer (PMID: 8644702, 28477318). This variant is also known as AA deletion at 2401. ClinVar contains an entry for this variant (Variation ID: 54521). For these reasons, this variant has been classified as Pathogenic.

Consortium of Investigators of Modifiers of BRCA1/2 (CIMBA), c/o University of Cambridge
Classification: Pathogenic for Breast-ovarian cancer, familial, susceptibility to, 1. Last evaluated: 2015-10-02. Review status: criteria provided, single submitter. Criteria: CIMBA Mutation Classification guidelines May 2016. Collection method: clinical testing. Allele origin: germline. Not counted in ClinVar's aggregate classification.

BRCAlab, Lund University
Classification: Pathogenic for Breast-ovarian cancer, familial, susceptibility to, 1. Last evaluated: 2020-03-02. Review status: no assertion criteria provided. Collection method: clinical testing. Allele origin: germline. Affected: yes. Not counted in ClinVar's aggregate classification.

Breast Cancer Information Core (BIC) (BRCA1)
Classification: Pathogenic for Breast-ovarian cancer, familial 1. Review status: no assertion criteria provided. Collection method: clinical testing. Allele origin: germline. Affected: yes. Observed: 1 variant allele. Not counted in ClinVar's aggregate classification.

Literature cited by the submitters: PubMed 8644702 (cited by Ambry Genetics and Labcorp Genetics (formerly Invitae), Labcorp); PubMed 20104584 (cited by Labcorp Genetics (formerly Invitae), Labcorp); PubMed 28477318 (cited by Labcorp Genetics (formerly Invitae), Labcorp).